The following is an entry in ClinVar:

NM_000088.4(COL1A1):c.3856G>A (p.Ala1286Thr)

Gene: COL1A1 (collagen type I alpha 1 chain; minus strand). Cytogenetic location: 17q21.33.
Variant type: single nucleotide variant.
Coding change: c.3856G>A on transcript NM_000088.4 (MANE Select); coding-DNA position 3856, G replaced by A.
Protein change: p.Ala1286Thr; replaces alanine 1286 with threonine.
Molecular consequence: missense variant.
Genome position (GRCh38, 1-based): chr17:50,186,466, C>T on the plus strand (G>A on the coding strand, the complement: COL1A1 is on the minus strand). VCF-style: chr17-50186466-C-T. GRCh37 (hg19) VCF-style: chr17-48263827-C-T.
Other names: short protein forms A1286T.
Identifiers: ClinVar variation 3627614 (VCV003627614.2).

ClinVar aggregate classification (germline): Uncertain significance (1 of 4 stars; one submission).

Conditions:
Osteogenesis imperfecta type I (OI1). Also called: Classic Non-deforming Osteogenesis Imperfecta with Blue Sclerae; Lobstein's Disease; Lobstein disease; OI, TYPE I; OSTEOGENESIS IMPERFECTA TARDA; OSTEOGENESIS IMPERFECTA WITH BLUE SCLERAE. Identifiers: Orphanet 216796, Orphanet 666, MedGen C0023931, MONDO:0008146, OMIM 166200. Disease mechanism: loss of function.

Submission:

Labcorp Genetics (formerly Invitae), Labcorp
Classification: Uncertain significance for Osteogenesis imperfecta type I. Last evaluated: 2024-10-09. Review status: criteria provided, single submitter. Criteria: Invitae Variant Classification Sherloc (09022015). Collection method: clinical testing. Allele origin: germline.
Comment: This sequence change replaces alanine, which is neutral and non-polar, with threonine, which is neutral and polar, at codon 1286 of the COL1A1 protein (p.Ala1286Thr). This variant is present in population databases (no rsID available, gnomAD 0.02%). This variant has not been reported in the literature in individuals affected with COL1A1-related conditions. Invitae Evidence Modeling of protein sequence and biophysical properties (such as structural, functional, and spatial information, amino acid conservation, physicochemical variation, residue mobility, and thermodynamic stability) has been performed for this missense variant. However, the output from this modeling did not meet the statistical confidence thresholds required to predict the impact of this variant on COL1A1 protein function. This variant disrupts the p.Ala1286 amino acid residue in COL1A1. Other variant(s) that disrupt this residue have been determined to be pathogenic (PMID: 25146735, 36951356, 37270749). This suggests that this residue is clinically significant, and that variants that disrupt this residue are likely to be disease-causing. In summary, the available evidence is currently insufficient to determine the role of this variant in disease. Therefore, it has been classified as a Variant of Uncertain Significance.

Literature cited by the submitters: PubMed 25146735; PubMed 36951356; PubMed 37270749.